The following is an entry in ClinVar:

ClinVar aggregate classification (germline): Likely pathogenic (1 of 4 stars; one submission).

Conditions:
Microcephaly 2, primary, autosomal recessive, with or without cortical malformations. Also called: MICROCEPHALY 2, PRIMARY, AUTOSOMAL RECESSIVE, WITH CORTICAL MALFORMATIONS; WDR62 Primary Microcephaly. Identifiers: Orphanet 2512, MedGen C1858535, MONDO:0011435, OMIM 604317.

Allele frequency attached by ClinVar (database versions not stated): gnomAD exomes below 0.00001.
gnomAD v4.1: 1 of 1,614,160 alleles (0.000062%); highest among the groups gnomAD compares: Non-Finnish European, 0.000085%; no homozygotes.

Submission:

Bruce Lefroy Centre, Murdoch Childrens Research Institute
Classification: Likely pathogenic for Microcephaly 2, primary, autosomal recessive, with or without cortical malformations. Last evaluated: 2020-01-01. Review status: criteria provided, single submitter. Criteria: ACMG Guidelines, 2015. Collection method: research. Allele origin: paternal. Inheritance: Autosomal recessive inheritance. Affected: yes. Observed: 3 variant alleles, 1 heterozygote, 2 compound heterozygotes.
Comment: PM2, PM3, PP3, PP1. Affected siblings carry this variant in trans with WDR62 variant: NM_001083961(WDR62):c.1480G>A, p. Gly494Arg ClinVar:VCV000160249

NM_001083961.2(WDR62):c.836G>A (p.Cys279Tyr)

Gene: WDR62 (WD repeat domain 62; plus strand). Cytogenetic location: 19q13.12.
Variant type: single nucleotide variant.
Coding change: c.836G>A on transcript NM_001083961.2 (MANE Select); coding-DNA position 836, G replaced by A.
Protein change: p.Cys279Tyr; replaces cysteine 279 with tyrosine.
Molecular consequence: missense variant.
Genome position (GRCh38, 1-based): chr19:36,067,964, G>A. VCF-style: chr19-36067964-G-A. GRCh37 (hg19) VCF-style: chr19-36558866-G-A.
Other names: c.836G>A, p.Cys279Tyr (NM_173636.5); short protein forms C279Y.
Identifiers: ClinVar variation 864869 (VCV000864869.2), dbSNP rs1971033478, ClinGen allele CA405429825.